The following is an entry in ClinVar:

ClinVar aggregate classification (germline): Pathogenic (1 of 4 stars; one submission).

Submission:

Labcorp Genetics (formerly Invitae), Labcorp
Classification: Pathogenic. Last evaluated: 2024-02-13. Review status: criteria provided, single submitter. Criteria: Invitae Variant Classification Sherloc (09022015). Collection method: clinical testing. Allele origin: germline.
Comment: This sequence change creates a premature translational stop signal (p.Ser44Thrfs*6) in the CAMTA1 gene. It is expected to result in an absent or disrupted protein product. Loss-of-function variants in CAMTA1 are known to be pathogenic (PMID: 22693284). This variant is not present in population databases (gnomAD no frequency). This variant has not been reported in the literature in individuals affected with CAMTA1-related conditions. For these reasons, this variant has been classified as Pathogenic.

Literature cited by the submitters: PubMed 22693284.

NM_015215.4(CAMTA1):c.131del (p.Ser44fs)

Gene: CAMTA1 (calmodulin binding transcription activator 1; plus strand). Cytogenetic location: 1p36.31.
Variant type: Deletion.
Coding change: c.131del on transcript NM_015215.4 (MANE Select); coding-DNA position 131, one base deleted (G; older notation c.131delG).
Protein change: p.Ser44fs; shifts the reading frame from serine 44.
Molecular consequence: frameshift variant. On other transcripts: non-coding transcript variant (4).
Genome position (GRCh38, 1-based): chr1:6,825,107, G deleted. VCF-style (leftmost placement, unchanged base first): chr1-6825106-AG-A. GRCh37 (hg19) VCF-style: chr1-6885166-AG-A.
Other names: c.131del, p.Ser44fs (NM_001195563.2, NM_001242701.2, NM_001349609.2 and 3 more transcripts); c.41del, p.Ser14fs (NM_001349608.2, NM_001349612.2); c.167del, p.Ser56fs (NM_001349627.2); short protein forms S14fs, S44fs, S56fs.
Identifiers: ClinVar variation 3640621 (VCV003640621.2).